The following is an entry in ClinVar:

ClinVar aggregate classification (germline): Uncertain significance. Review status: criteria provided, multiple submitters, no conflicts (2 of 4 stars). 3 submissions from 3 submitters: Uncertain significance (3). Last evaluated 2026-02-27.

Conditions:
Inborn genetic diseases. Identifiers: MedGen C0950123, MeSH D030342.
Curry-Hall syndrome (WAD). Also called: WEYERS ACRODENTAL DYSOSTOSIS. Identifiers: Orphanet 952, MedGen C0457013, MONDO:0008673, OMIM 193530.
Ellis-van Creveld syndrome (EVC). Also called: MESOECTODERMAL DYSPLASIA; Chondroectodermal dysplasia. Identifiers: Orphanet 289, MedGen C0013903, MONDO:0009162, OMIM 225500.

Allele frequency attached by ClinVar (database versions not stated): 1000 Genomes Project 30x 0.00016; 1000 Genomes Project 0.00020.
gnomAD v4.1: 25 of 1,613,782 alleles (0.0015%); highest among the groups gnomAD compares: Admixed American, 0.027%; no homozygotes.

Submissions (3):

Women's Health and Genetics/Laboratory Corporation of America, LabCorp
Classification: Uncertain significance. Last evaluated: 2026-02-27. Review status: criteria provided, single submitter. Criteria: LabCorp Variant Classification Summary - May 2015. Collection method: clinical testing. Allele origin: germline.
Comment: Variant summary: EVC c.857C>G (p.Ser286Trp) results in a non-conservative amino acid change in the encoded protein sequence. Algorithms developed to predict the effect of missense changes on protein structure and function are either unavailable or do not agree on the potential impact of this missense change. The variant allele was found at a frequency of 1.6e-05 in 251472 control chromosomes. The available data on variant occurrences in the general population are insufficient to allow any conclusion about variant significance. To our knowledge, no occurrence of c.857C>G in individuals affected with EVC-related conditions and no experimental evidence demonstrating its impact on protein function have been reported. ClinVar contains an entry for this variant (Variation ID: 1402979). Based on the evidence outlined above, the variant was classified as uncertain significance.

Ambry Genetics
Classification: Uncertain significance for Inborn genetic diseases. Last evaluated: 2024-01-04. Review status: criteria provided, single submitter. Criteria: Ambry Variant Classification Scheme 2023. Collection method: clinical testing. Allele origin: germline.

Labcorp Genetics (formerly Invitae), Labcorp
Classification: Uncertain significance for Curry-Hall syndrome; Ellis-van Creveld syndrome. Last evaluated: 2022-07-27. Review status: criteria provided, single submitter. Criteria: Invitae Variant Classification Sherloc (09022015). Collection method: clinical testing. Allele origin: germline.
Comment: This sequence change replaces serine, which is neutral and polar, with tryptophan, which is neutral and slightly polar, at codon 286 of the EVC protein (p.Ser286Trp). This variant is present in population databases (rs139263450, gnomAD 0.01%). This variant has not been reported in the literature in individuals affected with EVC-related conditions. ClinVar contains an entry for this variant (Variation ID: 1402979). Algorithms developed to predict the effect of missense changes on protein structure and function are either unavailable or do not agree on the potential impact of this missense change (SIFT: "Deleterious"; PolyPhen-2: "Possibly Damaging"; Align-GVGD: "Class C0"). In summary, the available evidence is currently insufficient to determine the role of this variant in disease. Therefore, it has been classified as a Variant of Uncertain Significance.

NM_153717.3(EVC):c.857C>G (p.Ser286Trp)

Gene: EVC (EvC ciliary complex subunit 1; plus strand). Cytogenetic location: 4p16.2.
Variant type: single nucleotide variant.
Coding change: c.857C>G on transcript NM_153717.3 (MANE Select); coding-DNA position 857, C replaced by G.
Protein change: p.Ser286Trp; replaces serine 286 with tryptophan.
Molecular consequence: missense variant.
Genome position (GRCh38, 1-based): chr4:5,745,259, C>G. VCF-style: chr4-5745259-C-G. GRCh37 (hg19) VCF-style: chr4-5746986-C-G.
Other names: c.857C>G, p.Ser286Trp (NM_001306090.2, NM_001306092.2); c.857C>G (NM_153717.2); short protein forms S286W.
Identifiers: ClinVar variation 1402979 (VCV001402979.6), dbSNP rs139263450, ClinGen allele CA2835892.
Genomic context (GRCh38, chr4:5,745,259, plus strand): 5'-TTCAGGATTTGGAGGAACTAGAAAAGGGACTTCAGGTCAAACTGTCAAACACAGAAATGT[C>G]GGGGGCTGGTGACTCTGAGTACATCACCCTGGCTGATGTGGAAAAGAAGGAGAGAGAATA-3'
Protein context (NP_714928.1, residues 276-296): LQVKLSNTEM[Ser286Trp]GAGDSEYITL